The following is an entry in ClinVar:

ClinVar aggregate classification (germline): Uncertain significance (1 of 4 stars; one submission).

Conditions:
Fanconi anemia complementation group O. Also called: RAD51C-Related Fanconi Anemia. Identifiers: Orphanet 84, MedGen C3150653, MONDO:0013248, OMIM 613390.

gnomAD v4.1: 1 of 1,609,490 alleles (0.000062%); highest among the groups gnomAD compares: Non-Finnish European, 0.000085%; no homozygotes.

Submission:

Labcorp Genetics (formerly Invitae), Labcorp
Classification: Uncertain significance for Fanconi anemia complementation group O. Last evaluated: 2024-08-21. Review status: criteria provided, single submitter. Criteria: Invitae Variant Classification Sherloc (09022015). Collection method: clinical testing. Allele origin: germline.
Comment: This sequence change replaces aspartic acid, which is acidic and polar, with glutamic acid, which is acidic and polar, at codon 215 of the RAD51C protein (p.Asp215Glu). This variant is not present in population databases (gnomAD no frequency). This variant has not been reported in the literature in individuals affected with RAD51C-related conditions. ClinVar contains an entry for this variant (Variation ID: 1402456). Invitae Evidence Modeling of protein sequence and biophysical properties (such as structural, functional, and spatial information, amino acid conservation, physicochemical variation, residue mobility, and thermodynamic stability) indicates that this missense variant is not expected to disrupt RAD51C protein function with a negative predictive value of 80%. In summary, the available evidence is currently insufficient to determine the role of this variant in disease. Therefore, it has been classified as a Variant of Uncertain Significance.

NM_058216.3(RAD51C):c.645C>G (p.Asp215Glu)

Genes: RAD51C (RAD51 paralog C; plus strand), LOC129390903 (MPRA-validated peak2919 silencer; plus strand). Cytogenetic location: 17q22.
Variant type: single nucleotide variant.
Coding change: c.645C>G on transcript NM_058216.3 (MANE Select); coding-DNA position 645, C replaced by G.
Protein change: p.Asp215Glu; replaces aspartic acid 215 with glutamic acid.
Molecular consequence: missense variant. On other transcripts: non-coding transcript variant (1).
Genome position (GRCh38, 1-based): chr17:58,703,269, C>G. VCF-style: chr17-58703269-C-G. GRCh37 (hg19) VCF-style: chr17-56780630-C-G.
Other names: short protein forms D215E.
Identifiers: ClinVar variation 1402456 (VCV001402456.6), dbSNP rs2143799278, ClinGen allele CA400349596.